The following is an entry in ClinVar:

ClinVar aggregate classification (germline): Likely benign. Review status: criteria provided, multiple submitters, no conflicts (2 of 4 stars). 2 submissions from 2 submitters: Likely benign (2). Last evaluated 2026-06-25.

Conditions:
RIPOR2-related disorder. Also called: RIPOR2-related condition.

gnomAD v4.1: 31 of 1,613,418 alleles (0.0019%); highest among the groups gnomAD compares: African/African-American, 0.021%; 1 homozygote.

Submissions (2):

PreventionGenetics, part of Exact Sciences
Classification: Likely benign for RIPOR2-related condition. Last evaluated: 2026-06-25. Review status: criteria provided, single submitter. Criteria: ACMG Guidelines, 2015. Collection method: clinical testing. Allele origin: germline.
Comment: This variant is classified as likely benign based on ACMG/AMP sequence variant interpretation guidelines (Richards et al. 2015 PMID: 25741868, with internal and published modifications).

Blueprint Genetics
Classification: Likely benign. Last evaluated: 2024-08-12. Review status: criteria provided, single submitter. Criteria: ACMG Guidelines, 2015. Collection method: clinical testing. Allele origin: germline.

NM_001286445.3(RIPOR2):c.168C>G (p.Gly56=)

Gene: RIPOR2 (RHO family interacting cell polarization regulator 2; minus strand). Cytogenetic location: 6p22.3.
Variant type: single nucleotide variant.
Coding change: c.168C>G on transcript NM_001286445.3 (MANE Select); coding-DNA position 168, C replaced by G.
Protein change: p.Gly56=; no amino-acid change (glycine 56 retained).
Molecular consequence: synonymous variant.
Genome position (GRCh38, 1-based): chr6:24,875,711, G>C on the plus strand (C>G on the coding strand, the complement: RIPOR2 is on the minus strand). VCF-style: chr6-24875711-G-C. GRCh37 (hg19) VCF-style: chr6-24875939-G-C.
Other names: c.183C>G, p.Gly61= (NM_001286446.3); c.81C>G, p.Gly27= (NM_001286447.2, NM_001346031.2, NM_001346032.2 and 2 more transcripts); c.81C>G (NM_014722.4).
Identifiers: ClinVar variation 4973940 (VCV004973940.2).